The following is an entry in ClinVar:

ClinVar aggregate classification (germline): Likely pathogenic (0 of 4 stars; one submission).

Conditions:
ACAN-related disorder. Also called: ACAN-related condition; ACAN-related disorders.

Submission:

PreventionGenetics, part of Exact Sciences
Classification: Likely pathogenic for ACAN-related condition. Last evaluated: 2024-08-26. Review status: no assertion criteria provided. Collection method: clinical testing. Allele origin: germline.
Comment: The ACAN c.6837dupC variant is predicted to result in a frameshift and premature protein termination (p.Ala2280Argfs*35). To our knowledge, this variant has not been reported in the literature or in a large population database, indicating it is rare. Frameshift variants in ACAN are expected to be pathogenic. This variant is interpreted as likely pathogenic.

NM_001369268.1(ACAN):c.6837dup (p.Ala2280fs)

Gene: ACAN (aggrecan; plus strand). Cytogenetic location: 15q26.1.
Variant type: Duplication.
Coding change: c.6837dup on transcript NM_001369268.1 (MANE Select); coding-DNA position 6837, one base duplicated (C; older notation c.6837dupC).
Protein change: p.Ala2280fs; shifts the reading frame from alanine 2280.
Molecular consequence: frameshift variant. On other transcripts: intron variant (3).
Genome position (GRCh38, 1-based): chr15:88,860,330, C duplicated; the last of 5 consecutive C bases (chr15:88,860,326-88,860,330); duplicating any one gives the same sequence. VCF-style (leftmost placement, unchanged base first): chr15-88860325-G-GC. GRCh37 (hg19) VCF-style: chr15-89403556-G-GC.
Other names: c.6837dup, p.Ala2280fs (NM_013227.4); c.6832+913dup (NM_001411097.1, NM_001411096.1, NM_001135.4); short protein forms A2280fs.
Identifiers: ClinVar variation 3348440 (VCV003348440.1).